The following is an entry in ClinVar:

NM_004168.4(SDHA):c.1652C>T (p.Thr551Met)

Gene: SDHA (succinate dehydrogenase complex flavoprotein subunit A; plus strand). Cytogenetic location: 5p15.33.
Variant type: single nucleotide variant.
Coding change: c.1652C>T on transcript NM_004168.4 (MANE Select); coding-DNA position 1652, C replaced by T.
Protein change: p.Thr551Met; replaces threonine 551 with methionine.
Molecular consequence: missense variant. On other transcripts: intron variant (1).
Genome position (GRCh38, 1-based): chr5:251,092, C>T. VCF-style: chr5-251092-C-T. GRCh37 (hg19) VCF-style: chr5-251207-C-T.
Other names: c.1508C>T, p.Thr503Met (NM_001294332.2); c.1552-3301C>T (NM_001330758.2); short protein forms T551M, T503M.
Identifiers: ClinVar variation 412397 (VCV000412397.22), dbSNP rs181238392, ClinGen allele CA3173310.

ClinVar aggregate classification (germline): Uncertain significance. Review status: criteria provided, multiple submitters, no conflicts (2 of 4 stars). 7 submissions from 7 submitters: Uncertain significance (6). 1 of the submissions does not count toward it. Last evaluated 2026-02-04.

Conditions:
Neurodegeneration with ataxia and late-onset optic atrophy. Identifiers: MedGen C5543254, MONDO:0031006, OMIM 619259.
Pheochromocytoma/paraganglioma syndrome 5. Also called: Paragangliomas 5; SDHA-Related Hereditary Paraganglioma-Pheochromocytoma Syndrome. Identifiers: Orphanet 29072, MedGen C3279992, MONDO:0013602, OMIM 614165.
Mitochondrial complex II deficiency, nuclear type 1. Also called: SUCCINATE CoQ REDUCTASE DEFICIENCY. Identifiers: Orphanet 3208, MedGen C5700310, MONDO:0100294, OMIM 252011.
Dilated cardiomyopathy 1GG (CMD1GG). Identifiers: Orphanet 154, MedGen C3150898, MONDO:0013339, OMIM 613642.
Hereditary cancer-predisposing syndrome. Also called: Neoplastic Syndromes, Hereditary; Tumor predisposition; Hereditary Cancer Syndrome; Hereditary neoplastic syndrome. Identifiers: Orphanet 140162, MedGen C0027672, MeSH D009386, MONDO:0015356.

Allele frequency attached by ClinVar (database versions not stated): gnomAD exomes 0.00001 and 0.00003; TOPMed 0.00001; gnomAD 0.00002 and 0.00003; ExAC 0.00004; 1000 Genomes Project 30x 0.00031; 1000 Genomes Project 0.00040.
gnomAD v4.1: 24 of 1,611,872 alleles (0.0015%); highest among the groups gnomAD compares: Middle Eastern, 0.045%; no homozygotes.

Submissions (7):

Labcorp Genetics (formerly Invitae), Labcorp
Classification: Uncertain significance for Pheochromocytoma/paraganglioma syndrome 5; Mitochondrial complex II deficiency, nuclear type 1. Last evaluated: 2026-02-04. Review status: criteria provided, single submitter. Criteria: Invitae Variant Classification Sherloc (09022015). Collection method: clinical testing. Allele origin: germline.
Comment: This sequence change replaces threonine, which is neutral and polar, with methionine, which is neutral and non-polar, at codon 551 of the SDHA protein (p.Thr551Met). This variant is present in population databases (rs181238392, gnomAD 0.01%). This variant has not been reported in the literature in individuals affected with SDHA-related conditions. ClinVar contains an entry for this variant (Variation ID: 412397). Invitae Evidence Modeling of protein sequence and biophysical properties (such as structural, functional, and spatial information, amino acid conservation, physicochemical variation, residue mobility, and thermodynamic stability) indicates that this missense variant is not expected to disrupt SDHA protein function with a negative predictive value of 95%. In summary, the available evidence is currently insufficient to determine the role of this variant in disease. Therefore, it has been classified as a Variant of Uncertain Significance.

Ambry Genetics
Classification: Uncertain significance for Hereditary cancer-predisposing syndrome. Last evaluated: 2025-07-15. Review status: criteria provided, single submitter. Criteria: Ambry Variant Classification Scheme 2023. Collection method: clinical testing. Allele origin: germline.
Comment: The p.T551M variant (also known as c.1652C>T), located in coding exon 12 of the SDHA gene, results from a C to T substitution at nucleotide position 1652. The threonine at codon 551 is replaced by methionine, an amino acid with similar properties. This amino acid position is highly conserved in available vertebrate species. In addition, the in silico prediction for this alteration is inconclusive. Since supporting evidence is limited at this time, the clinical significance of this alteration remains unclear.

Fulgent Genetics
Classification: Uncertain significance for Mitochondrial complex II deficiency, nuclear type 1; Dilated cardiomyopathy 1GG; Pheochromocytoma/paraganglioma syndrome 5; Neurodegeneration with ataxia and late-onset optic atrophy. Last evaluated: 2024-05-30. Review status: criteria provided, single submitter. Criteria: ACMG Guidelines, 2015. Collection method: clinical testing. Allele origin: germline.

Baylor Genetics
Classification: Uncertain significance for Dilated cardiomyopathy 1GG. Last evaluated: 2023-11-14. Review status: criteria provided, single submitter. Criteria: ACMG Guidelines, 2015. Collection method: clinical testing. Allele origin: unknown.

Blueprint Genetics
Classification: Uncertain significance. Last evaluated: 2023-05-04. Review status: criteria provided, single submitter. Criteria: ACMG Guidelines, 2015. Collection method: clinical testing. Allele origin: germline.

Myriad Genetics, Inc.
Classification: Uncertain significance for Pheochromocytoma/paraganglioma syndrome 5. Last evaluated: 2023-04-20. Review status: criteria provided, single submitter. Criteria: Myriad Autosomal Dominant, Autosomal Recessive and X-Linked Classification Criteria (2023). Collection method: clinical testing. Allele origin: unknown.
Comment: This variant is classified as a variant of uncertain significance as there is insufficient evidence to determine its impact on protein function and/or cancer risk.

Counsyl
Classification: Uncertain significance for Pheochromocytoma/paraganglioma syndrome 5. Last evaluated: 2018-01-04. Review status: no assertion criteria provided. Collection method: clinical testing. Allele origin: unknown. Not counted in ClinVar's aggregate classification.